The following is an entry in ClinVar:

ClinVar aggregate classification (germline): Uncertain significance. Review status: criteria provided, multiple submitters, no conflicts (2 of 4 stars). 3 submissions from 3 submitters: Uncertain significance (3). Last evaluated 2024-02-01.

Conditions:
Menkes kinky-hair syndrome (MNK). Also called: Copper transport disease; Menkes Disease; Classic Menkes Disease. Identifiers: Orphanet 565, MedGen C0022716, MONDO:0010651, OMIM 309400.
Cutis laxa, X-linked (OHS). Also called: EDS IX; Occipital horn syndrome. Identifiers: Orphanet 198, MedGen C0268353, MONDO:0010572, OMIM 304150.
X-linked distal spinal muscular atrophy type 3. Also called: SPINAL MUSCULAR ATROPHY, DISTAL, X-LINKED RECESSIVE; NEURONOPATHY, DISTAL HEREDITARY MOTOR, X-LINKED; NEUROPATHY, DISTAL HEREDITARY MOTOR, X-LINKED; ATP7A-Related Distal Motor Neuropathy. Identifiers: Orphanet 139557, MedGen C1845359, MONDO:0010338, OMIM 300489.
ATP7A-related disorder. Also called: ATP7A-related condition.

Allele frequency attached by ClinVar (database versions not stated): gnomAD exomes below 0.00001.

Submissions (3):

Women's Health and Genetics/Laboratory Corporation of America, LabCorp
Classification: Uncertain significance. Last evaluated: 2024-02-01. Review status: criteria provided, single submitter. Criteria: LabCorp Variant Classification Summary - May 2015. Collection method: clinical testing. Allele origin: germline.
Comment: Variant summary: ATP7A c.3737T>C (p.Met1246Thr) results in a non-conservative amino acid change located in the haloacid dehalogenase domain (IPR044492) of the encoded protein sequence. Five of five in-silico tools predict a damaging effect of the variant on protein function. The variant allele was found at a frequency of 3.7e-06 in 1,093,295 control chromosomes, including 2 hemizygotes. The available data on variant occurrences in the general population are insufficient to allow any conclusion about variant significance. To our knowledge, no occurrence of c.3737T>C in individuals affected with Menkes Kinky-Hair Syndrome and no experimental evidence demonstrating its impact on protein function have been reported. ClinVar contains an entry for this variant (Variation ID: 2636437). Based on the evidence outlined above, the variant was classified as uncertain significance.

PreventionGenetics, part of Exact Sciences
Classification: Uncertain significance for ATP7A-related condition. Last evaluated: 2023-08-10. Review status: criteria provided, single submitter. Criteria: ACMG Guidelines, 2015. Collection method: clinical testing. Allele origin: germline.
Comment: The ATP7A c.3737T>C variant is predicted to result in the amino acid substitution p.Met1246Thr. To our knowledge, this variant has not been reported in the literature or in a large population database, indicating this variant is rare. A different missense substitution affecting the same amino acid (p.Met1246Val) was reported in an individual with neurodevelopmental delay and other features (Mederer et al 2020. PubMed ID: 33151932). At this time, the clinical significance of the c.3737T>C (p.Met1246Thr) variant is uncertain due to the absence of conclusive functional and genetic evidence.

Labcorp Genetics (formerly Invitae), Labcorp
Classification: Uncertain significance for X-linked distal spinal muscular atrophy type 3; Cutis laxa, X-linked; Menkes kinky-hair syndrome. Last evaluated: 2023-06-29. Review status: criteria provided, single submitter. Criteria: Invitae Variant Classification Sherloc (09022015). Collection method: clinical testing. Allele origin: germline.
Comment: This sequence change replaces methionine, which is neutral and non-polar, with threonine, which is neutral and polar, at codon 1246 of the ATP7A protein (p.Met1246Thr). This variant is not present in population databases (gnomAD no frequency). This variant has not been reported in the literature in individuals affected with ATP7A-related conditions. Advanced modeling of protein sequence and biophysical properties (such as structural, functional, and spatial information, amino acid conservation, physicochemical variation, residue mobility, and thermodynamic stability) has been performed at Invitae for this missense variant, however the output from this modeling did not meet the statistical confidence thresholds required to predict the impact of this variant on ATP7A protein function. In summary, the available evidence is currently insufficient to determine the role of this variant in disease. Therefore, it has been classified as a Variant of Uncertain Significance.

NM_000052.7(ATP7A):c.3737T>C (p.Met1246Thr)

Gene: ATP7A (ATPase copper transporting alpha; plus strand). Cytogenetic location: Xq21.1.
Variant type: single nucleotide variant.
Coding change: c.3737T>C on transcript NM_000052.7 (MANE Select); coding-DNA position 3737, T replaced by C.
Protein change: p.Met1246Thr; replaces methionine 1246 with threonine.
Molecular consequence: missense variant. On other transcripts: non-coding transcript variant (1).
Genome position (GRCh38, 1-based): chrX:78,040,669, T>C. VCF-style: chrX-78040669-T-C. GRCh37 (hg19) VCF-style: chrX-77296167-T-C.
Other names: c.3503T>C, p.Met1168Thr (NM_001282224.2); short protein forms M1168T, M1246T.
Identifiers: ClinVar variation 2636437 (VCV002636437.6), dbSNP rs2522414600, ClinGen allele CA413604855.